The following is an entry in ClinVar:

ClinVar aggregate classification (germline): Pathogenic (1 of 4 stars; one submission).

Submission:

Labcorp Genetics (formerly Invitae), Labcorp
Classification: Pathogenic. Last evaluated: 2023-07-25. Review status: criteria provided, single submitter. Criteria: Invitae Variant Classification Sherloc (09022015). Collection method: clinical testing. Allele origin: unknown.
Comment: For these reasons, this variant has been classified as Pathogenic. This variant has not been reported in the literature in individuals affected with CACNA1B-related conditions. This variant is a gross deletion of the genomic region encompassing exon(s) 17 of the CACNA1B gene. This deletion is out-of-frame, and is expected to create a premature termination codon and result in an absent or disrupted protein product. Loss-of-function variants in CACNA1B are known to be pathogenic (PMID: 30982612).

Literature cited by the submitters: PubMed 30982612.

NC_000009.11:g.(?_140904442)_(140904549_?)del

Gene: CACNA1B (calcium voltage-gated channel subunit alpha1 B; plus strand). Cytogenetic location: 9q34.3.
Variant type: Deletion.
Identifiers: ClinVar variation 3245289 (VCV003245289.1).